The following is an entry in ClinVar:

ClinVar aggregate classification (germline): Pathogenic (1 of 4 stars; one submission).

Conditions:
Neuropathy, hereditary sensory and autonomic, type 2A (HSAN2A). Also called: HSAN IIA; WNK1-Related HSAN2 (HSAN2A); MORVAN DISEASE; NEUROPATHY, CONGENITAL SENSORY; NEUROPATHY, HEREDITARY SENSORY RADICULAR, AUTOSOMAL RECESSIVE; NEUROPATHY, HEREDITARY SENSORY, TYPE IIA. Identifiers: Orphanet 970, MedGen C2752089, MONDO:0024309, OMIM 201300.
Generalized epilepsy with febrile seizures plus, type 7 (GEFSP7). Also called: GEFS+, TYPE 7. Identifiers: Orphanet 36387, MedGen C2751778, MONDO:0013470, OMIM 613863.

Submission:

Labcorp Genetics (formerly Invitae), Labcorp
Classification: Pathogenic for Neuropathy, hereditary sensory and autonomic, type 2A; Generalized epilepsy with febrile seizures plus, type 7. Last evaluated: 2018-09-20. Review status: criteria provided, single submitter. Criteria: Invitae Variant Classification Sherloc (09022015). Collection method: clinical testing. Allele origin: germline.
Comment: This sequence change creates a premature translational stop signal (p.Ile984Thrfs*2) in the SCN9A gene. It is expected to result in an absent or disrupted protein product. This variant is not present in population databases (ExAC no frequency). This variant has not been reported in the literature in individuals with SCN9A-related disease. Loss-of-function variants in SCN9A are known to be pathogenic (PMID: 17470132, 19304393). For these reasons, this variant has been classified as Pathogenic.

Literature cited by the submitters: PubMed 17470132; PubMed 19304393.

NM_001365536.1(SCN9A):c.2984_2985insC (p.Ile995_Lys996insTer)

Genes: SCN9A (sodium voltage-gated channel alpha subunit 9; minus strand), SCN1A-AS1 (SCN1A and SCN9A antisense RNA 1; plus strand). Cytogenetic location: 2q24.3.
Variant type: Insertion.
Coding change: c.2984_2985insC on transcript NM_001365536.1 (MANE Select); coding-DNA positions 2984 to 2985, C inserted.
Protein change: p.Ile995_Lys996insTer.
Molecular consequence: frameshift variant. On other transcripts: nonsense (1).
Genome position: GRCh38 VCF-style: chr2-166272765-A-AG. GRCh37 (hg19) VCF-style: chr2-167129275-A-AG.
Other names: c.2951_2952insC, p.Lys985Terfs (NM_002977.4).
Identifiers: ClinVar variation 1070653 (VCV001070653.2), dbSNP rs2106461311, ClinGen allele CA2499215220.